The following is an entry in ClinVar:

ClinVar aggregate classification (germline): Uncertain significance (1 of 4 stars; one submission).

Conditions:
Pheochromocytoma/paraganglioma syndrome 5. Also called: Paragangliomas 5; SDHA-Related Hereditary Paraganglioma-Pheochromocytoma Syndrome. Identifiers: Orphanet 29072, MedGen C3279992, MONDO:0013602, OMIM 614165.
Mitochondrial complex II deficiency, nuclear type 1. Also called: SUCCINATE CoQ REDUCTASE DEFICIENCY. Identifiers: Orphanet 3208, MedGen C5700310, MONDO:0100294, OMIM 252011.

Submission:

Labcorp Genetics (formerly Invitae), Labcorp
Classification: Uncertain significance for Pheochromocytoma/paraganglioma syndrome 5; Mitochondrial complex II deficiency, nuclear type 1. Last evaluated: 2021-12-18. Review status: criteria provided, single submitter. Criteria: Invitae Variant Classification Sherloc (09022015). Collection method: clinical testing. Allele origin: germline.
Comment: This sequence change replaces alanine, which is neutral and non-polar, with proline, which is neutral and non-polar, at codon 655 of the SDHA protein (p.Ala655Pro). This variant is not present in population databases (gnomAD no frequency). This variant has not been reported in the literature in individuals affected with SDHA-related conditions. Advanced modeling of protein sequence and biophysical properties (such as structural, functional, and spatial information, amino acid conservation, physicochemical variation, residue mobility, and thermodynamic stability) performed at Invitae indicates that this missense variant is not expected to disrupt SDHA protein function. In summary, the available evidence is currently insufficient to determine the role of this variant in disease. Therefore, it has been classified as a Variant of Uncertain Significance.

NM_004168.4(SDHA):c.1963G>C (p.Ala655Pro)

Gene: SDHA (succinate dehydrogenase complex flavoprotein subunit A; plus strand). Cytogenetic location: 5p15.33.
Variant type: single nucleotide variant.
Coding change: c.1963G>C on transcript NM_004168.4 (MANE Select); coding-DNA position 1963, G replaced by C.
Protein change: p.Ala655Pro; replaces alanine 655 with proline.
Molecular consequence: missense variant.
Genome position (GRCh38, 1-based): chr5:256,388, G>C. VCF-style: chr5-256388-G-C. GRCh37 (hg19) VCF-style: chr5-256503-G-C.
Other names: c.1819G>C, p.Ala607Pro (NM_001294332.2); c.1720G>C, p.Ala574Pro (NM_001330758.2); short protein forms A607P, A655P, A574P.
Identifiers: ClinVar variation 2046814 (VCV002046814.4), dbSNP rs2126646007, ClinGen allele CA359003025.